The following is an entry in ClinVar:

ClinVar aggregate classification (germline): Uncertain significance (1 of 4 stars; one submission).

Conditions:
Familial thoracic aortic aneurysm and aortic dissection (TAAD). Also called: Thoracic aortic aneurysms and dissections. Identifiers: Orphanet 91387, MedGen C4707243, MONDO:0019625.
Hereditary cancer-predisposing syndrome. Also called: Neoplastic Syndromes, Hereditary; Tumor predisposition; Hereditary neoplastic syndrome; Hereditary Cancer Syndrome. Identifiers: Orphanet 140162, MedGen C0027672, MeSH D009386, MONDO:0015356.

Submission:

Ambry Genetics
Classification: Uncertain significance for Hereditary cancer-predisposing syndrome; Familial thoracic aortic aneurysm and aortic dissection. Last evaluated: 2026-07-20. Review status: criteria provided, single submitter. Criteria: Ambry Variant Classification Scheme 2023. Collection method: clinical testing. Allele origin: germline.
Comment: The p.P102T variant (also known as c.304C>A), located in coding exon 2 of the SMAD4 gene, results from a C to A substitution at nucleotide position 304. The proline at codon 102 is replaced by threonine, an amino acid with highly similar properties. This amino acid position is conserved. In addition, this alteration is predicted to be deleterious by in silico analysis. Based on the available evidence, the clinical significance of this variant remains unclear.

NM_005359.6(SMAD4):c.304C>A (p.Pro102Thr)

Gene: SMAD4 (SMAD family member 4; plus strand). Cytogenetic location: 18q21.2.
Variant type: single nucleotide variant.
Coding change: c.304C>A on transcript NM_005359.6 (MANE Select); coding-DNA position 304, C replaced by A.
Protein change: p.Pro102Thr; replaces proline 102 with threonine.
Molecular consequence: missense variant. On other transcripts: non-coding transcript variant (2).
Genome position (GRCh38, 1-based): chr18:51,048,740, C>A. VCF-style: chr18-51048740-C-A. GRCh37 (hg19) VCF-style: chr18-48575110-C-A.
Other names: c.304C>A, p.Pro102Thr (NM_001407041.1, NM_001407042.1, NM_001407043.1); short protein forms P102T.
Identifiers: ClinVar variation 5029752 (VCV005029752.1).
Genomic context (GRCh38, chr18:51,048,740, plus strand): 5'-TTCTAGGTGGCTGGTCGGAAAGGATTTCCTCATGTGATCTATGCCCGTCTCTGGAGGTGG[C>A]CTGATCTTCACAAAAATGAACTAAAACATGTTAAATATTGTCAGTATGCGTTTGACTTAA-3'
Protein context (NP_005350.1, residues 92-112): HVIYARLWRW[Pro102Thr]DLHKNELKHV